The following is an entry in ClinVar:

ClinVar aggregate classification (germline): Likely benign (1 of 4 stars; one submission).

gnomAD v4.1: 119 of 1,562,440 alleles (0.0076%); highest among the groups gnomAD compares: Middle Eastern, 0.037%; no homozygotes.

Submission:

CeGaT Center for Human Genetics Tuebingen
Classification: Likely benign. Last evaluated: 2026-04-01. Review status: criteria provided, single submitter. Criteria: CeGaT Center For Human Genetics Tuebingen Variant Classification Criteria Version 2. Collection method: clinical testing. Allele origin: germline. Affected: yes. Observed: 1 variant allele.
Comment: IRS2: BP4, BP7

NM_003749.3(IRS2):c.513G>A (p.Leu171=)

Gene: IRS2 (insulin receptor substrate 2; minus strand). Cytogenetic location: 13q34.
Variant type: single nucleotide variant.
Coding change: c.513G>A on transcript NM_003749.3 (MANE Select); coding-DNA position 513, G replaced by A.
Protein change: p.Leu171=; no amino-acid change (leucine 171 retained).
Molecular consequence: synonymous variant.
Genome position (GRCh38, 1-based): chr13:109,785,541, C>T on the plus strand (G>A on the coding strand, the complement: IRS2 is on the minus strand). VCF-style: chr13-109785541-C-T. GRCh37 (hg19) VCF-style: chr13-110437888-C-T.
Identifiers: ClinVar variation 4872417 (VCV004872417.2).